The following is an entry in ClinVar:

NM_006904.7(PRKDC):c.9071C>T (p.Pro3024Leu)

Gene: PRKDC (protein kinase, DNA-activated, catalytic subunit; minus strand). Cytogenetic location: 8q11.21.
Variant type: single nucleotide variant.
Coding change: c.9071C>T on transcript NM_006904.7 (MANE Select); coding-DNA position 9071, C replaced by T.
Protein change: p.Pro3024Leu; replaces proline 3024 with leucine.
Molecular consequence: missense variant.
Genome position (GRCh38, 1-based): chr8:47,821,644, G>A on the plus strand (C>T on the coding strand, the complement: PRKDC is on the minus strand). VCF-style: chr8-47821644-G-A. GRCh37 (hg19) VCF-style: chr8-48734205-G-A.
Other names: c.9071C>T, p.Pro3024Leu (NM_001081640.2); short protein forms P3024L.
Identifiers: ClinVar variation 581140 (VCV000581140.8), dbSNP rs201186757, ClinGen allele CA4739681.

ClinVar aggregate classification (germline): Conflicting classifications of pathogenicity. Review status: criteria provided, conflicting classifications (1 of 4 stars). 3 submissions from 3 submitters: Uncertain significance (2); Likely benign (1). Last evaluated 2026-09-01.

Conditions:
Severe combined immunodeficiency due to DNA-PKcs deficiency. Also called: IMMUNODEFICIENCY 26 WITH NEUROLOGIC ABNORMALITIES; Immunodeficiency 26 with or without neurologic abnormalities. Identifiers: Orphanet 317425, MedGen C4014833, MONDO:0014423, OMIM 615966.

Allele frequency attached by ClinVar (database versions not stated): TOPMed 0.00031; ESP Exome Variant Server 0.00034; gnomAD 0.00034 and 0.00037; gnomAD exomes 0.00034 and 0.00058; ExAC 0.00063.
gnomAD v4.1: 871 of 1,602,494 alleles (0.054%); highest among the groups gnomAD compares: Non-Finnish European, 0.072%; no homozygotes.

Submissions (3):

CeGaT Center for Human Genetics Tuebingen
Classification: Likely benign. Last evaluated: 2026-09-01. Review status: criteria provided, single submitter. Criteria: CeGaT Center For Human Genetics Tuebingen Variant Classification Criteria Version 2. Collection method: clinical testing. Allele origin: germline. Affected: yes. Observed: 1 variant allele.
Comment: PRKDC: BP4

Blueprint Genetics
Classification: Uncertain significance. Last evaluated: 2024-11-27. Review status: criteria provided, single submitter. Criteria: ACMG Guidelines, 2015. Collection method: clinical testing. Allele origin: germline.

Labcorp Genetics (formerly Invitae), Labcorp
Classification: Uncertain significance for Severe combined immunodeficiency due to DNA-PKcs deficiency. Last evaluated: 2022-08-23. Review status: criteria provided, single submitter. Criteria: Invitae Variant Classification Sherloc (09022015). Collection method: clinical testing. Allele origin: germline.
Comment: This sequence change replaces proline, which is neutral and non-polar, with leucine, which is neutral and non-polar, at codon 3024 of the PRKDC protein (p.Pro3024Leu). This variant is present in population databases (rs201186757, gnomAD 0.07%). This variant has not been reported in the literature in individuals affected with PRKDC-related conditions. ClinVar contains an entry for this variant (Variation ID: 581140). In summary, the available evidence is currently insufficient to determine the role of this variant in disease. Therefore, it has been classified as a Variant of Uncertain Significance.